The following is an entry in ClinVar:

NR_171028.1(LIPT2-AS1):n.555T>C

Genes: LIPT2-AS1 (LIPT2 antisense RNA 1; plus strand), LOC130006412 (ATAC-STARR-seq lymphoblastoid silent region 3754; plus strand). Cytogenetic location: 11q13.4.
Variant type: single nucleotide variant.
Molecular consequence: non-coding transcript variant (on NR_171028.1).
Genome position: GRCh38 VCF-style: chr11-74493934-T-C. GRCh37 (hg19) VCF-style: chr11-74204979-T-C.
Identifiers: ClinVar variation 2642151 (VCV002642151.23), dbSNP rs190250626, ClinGen allele CA224979394.

ClinVar aggregate classification (germline): Likely benign (1 of 4 stars; one submission).

Allele frequency attached by ClinVar (database versions not stated): gnomAD 0.00305; TOPMed 0.00324; gnomAD exomes 0.00413; 1000 Genomes Project 30x 0.00453; 1000 Genomes Project 0.00499.

Submission:

CeGaT Center for Human Genetics Tuebingen
Classification: Likely benign. Last evaluated: 2023-05-01. Review status: criteria provided, single submitter. Criteria: CeGaT Center For Human Genetics Tuebingen Variant Classification Criteria Version 2. Collection method: clinical testing. Allele origin: germline. Affected: yes. Observed: 1 variant allele.
Comment: ENSG00000254837: BS1